The following is an entry in ClinVar:

ClinVar aggregate classification (germline): Uncertain significance (1 of 4 stars; one submission).

Conditions:
Hypertrophic cardiomyopathy 14. Identifiers: MedGen C2750467, MONDO:0013197, OMIM 613251.

Submission:

Labcorp Genetics (formerly Invitae), Labcorp
Classification: Uncertain significance for Hypertrophic cardiomyopathy 14. Last evaluated: 2024-11-26. Review status: criteria provided, single submitter. Criteria: Invitae Variant Classification Sherloc (09022015). Collection method: clinical testing. Allele origin: germline.
Comment: This sequence change creates a premature translational stop signal (p.Arg789Profs*15) in the MYH6 gene. It is expected to result in an absent or disrupted protein product. However, the current clinical and genetic evidence is not sufficient to establish whether loss-of-function variants in MYH6 cause disease. This variant is not present in population databases (gnomAD no frequency). This variant has not been reported in the literature in individuals affected with MYH6-related conditions. In summary, the available evidence is currently insufficient to determine the role of this variant in disease. Therefore, it has been classified as a Variant of Uncertain Significance.

NM_002471.4(MYH6):c.2366_2375del (p.Arg789fs)

Gene: MYH6 (myosin heavy chain 6; minus strand). Cytogenetic location: 14q11.2.
Variant type: Deletion.
Coding change: c.2366_2375del on transcript NM_002471.4 (MANE Select); coding-DNA positions 2366 to 2375, 10 bases deleted (GCATGCAGGC; older notation c.2366_2375delGCATGCAGGC).
Protein change: p.Arg789fs; shifts the reading frame from arginine 789.
Molecular consequence: frameshift variant.
Genome position (GRCh38, 1-based): chr14:23,396,338-23,396,347, GCCTGCATGC deleted on the plus strand (GCATGCAGGC on the coding strand, the reverse complement: MYH6 is on the minus strand); deleting any 10 consecutive bases within chr14:23,396,338-23,396,349 gives the same sequence; the c. name uses the placement nearest the transcript's 3' end. VCF-style (leftmost placement, unchanged base first): chr14-23396337-GGCCTGCATGC-G. GRCh37 (hg19) VCF-style: chr14-23865546-GGCCTGCATGC-G.
Other names: short protein forms R789fs.
Identifiers: ClinVar variation 3726127 (VCV003726127.2).
Genomic context (GRCh38, chr14:23,396,337, plus strand): 5'-GTCTCACCTGCGTTCCACTATCTTCTTGAACTCAATGCGCATGAGCTGGCCCCGGGCTTG[GGCCTGCATGC>G]GCGTGATGATGCGGCTCAGCCTCTCATCCCGCATCTCCTCCAGCAGCCCAAGCAGCCCTG-3'